The following is an entry in ClinVar:

ClinVar aggregate classification (germline): Uncertain significance (1 of 4 stars; one submission).

Allele frequency attached by ClinVar (database versions not stated): gnomAD exomes 0.00002; ExAC 0.00003; gnomAD 0.00023 and 0.00024; TOPMed 0.00047.

Submission:

Labcorp Genetics (formerly Invitae), Labcorp
Classification: Uncertain significance. Last evaluated: 2025-07-27. Review status: criteria provided, single submitter. Criteria: Invitae Variant Classification Sherloc (09022015). Collection method: clinical testing. Allele origin: germline.
Comment: This sequence change replaces threonine, which is neutral and polar, with isoleucine, which is neutral and non-polar, at codon 1889 of the SORL1 protein (p.Thr1889Ile). This variant is present in population databases (rs754395326, gnomAD 0.01%). This variant has not been reported in the literature in individuals affected with SORL1-related conditions. ClinVar contains an entry for this variant (Variation ID: 1411495). An algorithm developed to predict the effect of missense changes on protein structure and function (PolyPhen-2) suggests that this variant is likely to be tolerated. In summary, the available evidence is currently insufficient to determine the role of this variant in disease. Therefore, it has been classified as a Variant of Uncertain Significance.

NM_003105.6(SORL1):c.5666C>T (p.Thr1889Ile)

Gene: SORL1 (sortilin related receptor 1; plus strand). Cytogenetic location: 11q24.1.
Variant type: single nucleotide variant.
Coding change: c.5666C>T on transcript NM_003105.6 (MANE Select); coding-DNA position 5666, C replaced by T.
Protein change: p.Thr1889Ile; replaces threonine 1889 with isoleucine.
Molecular consequence: missense variant.
Genome position (GRCh38, 1-based): chr11:121,618,835, C>T. VCF-style: chr11-121618835-C-T. GRCh37 (hg19) VCF-style: chr11-121489544-C-T.
Other names: short protein forms T1889I.
Identifiers: ClinVar variation 1411495 (VCV001411495.6), dbSNP rs754395326, ClinGen allele CA6330024.